The following is an entry in ClinVar:

NM_001385079.1(PDE10A):c.1796+12A>G

Gene: PDE10A (phosphodiesterase 10A; minus strand). Cytogenetic location: 6q27.
Variant type: single nucleotide variant.
Coding change: c.1796+12A>G on transcript NM_001385079.1 (MANE Select); 12 bases into the intron after coding-DNA position 1796, A replaced by G.
Molecular consequence: intron variant.
Genome position (GRCh38, 1-based): chr6:165,418,623, T>C on the plus strand (A>G on the coding strand, the complement: PDE10A is on the minus strand). VCF-style: chr6-165418623-T-C. GRCh37 (hg19) VCF-style: chr6-165832111-T-C.
Other names: c.998+12A>G (NM_001130690.3); c.968+12A>G (NM_006661.4).
Identifiers: ClinVar variation 1895920 (VCV001895920.5), dbSNP rs549669252, ClinGen allele CA4092291.
Genomic context (GRCh38, chr6:165,418,623, plus strand): 5'-CACAGAAAAATGGGTAACGGAACGCCTGCACATCTACCGTAAGAGGATAGGACATTCTAC[T>C]TCTAGCTGTACCTTATCTCTTTGGTCTTCTTGAAGACAGGTTTTCCTTCCTTTTCCTCTC-3'

ClinVar aggregate classification (germline): Uncertain significance (1 of 4 stars; one submission).

Allele frequency attached by ClinVar (database versions not stated): TOPMed below 0.00001; gnomAD exomes 0.00001.
gnomAD v4.1: 3 of 1,610,330 alleles (0.00019%); highest among the groups gnomAD compares: Admixed American, 0.005%; no homozygotes.

Submission:

Labcorp Genetics (formerly Invitae), Labcorp
Classification: Uncertain significance. Last evaluated: 2022-05-10. Review status: criteria provided, single submitter. Criteria: Invitae Variant Classification Sherloc (09022015). Collection method: clinical testing. Allele origin: germline.
Comment: This variant is present in population databases (rs549669252, gnomAD 0.006%). In summary, the available evidence is currently insufficient to determine the role of this variant in disease. Therefore, it has been classified as a Variant of Uncertain Significance. Algorithms developed to predict the effect of sequence changes on RNA splicing suggest that this variant may create or strengthen a splice site. This variant has not been reported in the literature in individuals affected with PDE10A-related conditions. This sequence change falls in intron 11 of the PDE10A gene. It does not directly change the encoded amino acid sequence of the PDE10A protein.